The following is an entry in ClinVar:

NM_001281740.3(FHOD3):c.1057G>A (p.Glu353Lys)

Gene: FHOD3 (formin homology 2 domain containing 3; plus strand). Cytogenetic location: 18q12.2.
Variant type: single nucleotide variant.
Coding change: c.1057G>A on transcript NM_001281740.3 (MANE Select); coding-DNA position 1057, G replaced by A.
Protein change: p.Glu353Lys; replaces glutamic acid 353 with lysine.
Molecular consequence: missense variant.
Genome position (GRCh38, 1-based): chr18:36,625,610, G>A. VCF-style: chr18-36625610-G-A. GRCh37 (hg19) VCF-style: chr18-34205573-G-A.
Other names: c.1057G>A, p.Glu353Lys (NM_001281739.3, NM_025135.5); short protein forms E353K.
Identifiers: ClinVar variation 3278855 (VCV003278855.4).
Genomic context (GRCh38, chr18:36,625,610, plus strand): 5'-CCACCCCCCAGTGGGTGCCGGGACCGGAGGAGGGCCAGCGTGTGTTCCAGTGGCGGAGGC[G>A]AGCACCGGGGCCTGGACCGCAGAAGGAGCCGCAGGCACTCGGTGCAGAGCATCAAGAGCA-3'
Protein context (NP_001268669.1, residues 343-363): RASVCSSGGG[Glu353Lys]HRGLDRRRSR

ClinVar aggregate classification (germline): Conflicting classifications of pathogenicity. Review status: criteria provided, conflicting classifications (1 of 4 stars). 3 submissions from 3 submitters: Uncertain significance (2); Likely benign (1). Last evaluated 2024-06-15.

Conditions:
Inborn genetic diseases. Identifiers: MedGen C0950123, MeSH D030342.

gnomAD v4.1: 12 of 1,586,674 alleles (0.00076%); highest among the groups gnomAD compares: East Asian, 0.0023%; no homozygotes.

Submissions (3):

Blueprint Genetics
Classification: Likely benign. Last evaluated: 2024-06-15. Review status: criteria provided, single submitter. Criteria: ACMG Guidelines, 2015. Collection method: clinical testing. Allele origin: germline.

Labcorp Genetics (formerly Invitae), Labcorp
Classification: Uncertain significance. Last evaluated: 2024-05-01. Review status: criteria provided, single submitter. Criteria: Invitae Variant Classification Sherloc (09022015). Collection method: clinical testing. Allele origin: germline.
Comment: This sequence change replaces glutamic acid, which is acidic and polar, with lysine, which is basic and polar, at codon 353 of the FHOD3 protein (p.Glu353Lys). This variant is present in population databases (no rsID available, gnomAD 0.007%). This variant has not been reported in the literature in individuals affected with FHOD3-related conditions. An algorithm developed to predict the effect of missense changes on protein structure and function (PolyPhen-2) suggests that this variant is likely to be disruptive. In summary, the available evidence is currently insufficient to determine the role of this variant in disease. Therefore, it has been classified as a Variant of Uncertain Significance.

Ambry Genetics
Classification: Uncertain significance for Inborn genetic diseases. Last evaluated: 2024-04-23. Review status: criteria provided, single submitter. Criteria: Ambry Variant Classification Scheme 2023. Collection method: clinical testing. Allele origin: germline.